The following is an entry in ClinVar:

NM_020937.4(FANCM):c.1127A>G (p.Gln376Arg)

Gene: FANCM (FA complementation group M; plus strand). Cytogenetic location: 14q21.2.
Variant type: single nucleotide variant.
Coding change: c.1127A>G on transcript NM_020937.4 (MANE Select); coding-DNA position 1127, A replaced by G.
Protein change: p.Gln376Arg; replaces glutamine 376 with arginine.
Molecular consequence: missense variant.
Genome position (GRCh38, 1-based): chr14:45,153,996, A>G. VCF-style: chr14-45153996-A-G. GRCh37 (hg19) VCF-style: chr14-45623199-A-G.
Other names: c.1049A>G, p.Gln350Arg (NM_001308133.2); c.1127A>G, p.Gln376Arg (NM_001308134.2); short protein forms Q376R, Q350R.
Identifiers: ClinVar variation 856209 (VCV000856209.10), dbSNP rs1284198432, ClinGen allele CA389590944.

ClinVar aggregate classification (germline): Uncertain significance. Review status: criteria provided, multiple submitters, no conflicts (2 of 4 stars). 2 submissions from 2 submitters: Uncertain significance (2). Last evaluated 2024-06-10.

Conditions:
Fanconi anemia (FA). Also called: Fanconi's anemia. Identifiers: Orphanet 84, MedGen C0015625, MeSH D005199, MONDO:0019391.

Allele frequency attached by ClinVar (database versions not stated): TOPMed below 0.00001; gnomAD exomes 0.00002.
gnomAD v4.1: 23 of 1,589,706 alleles (0.0014%); highest among the groups gnomAD compares: Non-Finnish European, 0.002%; no homozygotes.

Submissions (2):

GeneDx
Classification: Uncertain significance. Last evaluated: 2024-06-10. Review status: criteria provided, single submitter. Criteria: GeneDx Variant Classification Process June 2021. Collection method: clinical testing. Allele origin: germline. Affected: yes.
Comment: Not observed at significant frequency in large population cohorts (gnomAD); In silico analysis supports that this missense variant has a deleterious effect on protein structure/function; Has not been previously published as pathogenic or benign to our knowledge

Labcorp Genetics (formerly Invitae), Labcorp
Classification: Uncertain significance for Fanconi anemia. Last evaluated: 2023-04-15. Review status: criteria provided, single submitter. Criteria: Invitae Variant Classification Sherloc (09022015). Collection method: clinical testing. Allele origin: germline.
Comment: ClinVar contains an entry for this variant (Variation ID: 856209). This variant has not been reported in the literature in individuals affected with FANCM-related conditions. This variant is not present in population databases (gnomAD no frequency). This sequence change replaces glutamine, which is neutral and polar, with arginine, which is basic and polar, at codon 376 of the FANCM protein (p.Gln376Arg). An algorithm developed to predict the effect of missense changes on protein structure and function (PolyPhen-2) suggests that this variant is likely to be tolerated. In summary, the available evidence is currently insufficient to determine the role of this variant in disease. Therefore, it has been classified as a Variant of Uncertain Significance.